The following is an entry in ClinVar:

ClinVar aggregate classification (germline): Conflicting classifications of pathogenicity. Review status: criteria provided, conflicting classifications (1 of 4 stars). 2 submissions from 2 submitters: Uncertain significance (1); Likely benign (1). Last evaluated 2025-09-05.

Conditions:
Erythrocytosis, familial, 3 (ECYT3). Identifiers: Orphanet 247511, MedGen C1853286, MONDO:0012353, OMIM 609820.

Allele frequency attached by ClinVar (database versions not stated): 1000 Genomes Project 30x 0.00031.
gnomAD v4.1: 21 of 1,603,776 alleles (0.0013%); highest among the groups gnomAD compares: African/African-American, 0.016%; no homozygotes.

Submissions (2):

Ambry Genetics
Classification: Likely benign. Last evaluated: 2025-09-05. Review status: criteria provided, single submitter. Criteria: Ambry Variant Classification Scheme 2023. Collection method: clinical testing. Allele origin: germline.

Labcorp Genetics (formerly Invitae), Labcorp
Classification: Uncertain significance for Erythrocytosis, familial, 3. Last evaluated: 2024-08-01. Review status: criteria provided, single submitter. Criteria: Invitae Variant Classification Sherloc (09022015). Collection method: clinical testing. Allele origin: germline.
Comment: This sequence change replaces proline, which is neutral and non-polar, with threonine, which is neutral and polar, at codon 165 of the EGLN1 protein (p.Pro165Thr). The frequency data for this variant in the population databases is considered unreliable, as metrics indicate poor data quality at this position in the gnomAD database. This variant has not been reported in the literature in individuals affected with EGLN1-related conditions. ClinVar contains an entry for this variant (Variation ID: 2156206). An algorithm developed to predict the effect of missense changes on protein structure and function (PolyPhen-2) suggests that this variant is likely to be tolerated. In summary, the available evidence is currently insufficient to determine the role of this variant in disease. Therefore, it has been classified as a Variant of Uncertain Significance.

NM_022051.3(EGLN1):c.493C>A (p.Pro165Thr)

Gene: EGLN1 (egl-9 family hypoxia inducible factor 1; minus strand). Cytogenetic location: 1q42.2.
Variant type: single nucleotide variant.
Coding change: c.493C>A on transcript NM_022051.3 (MANE Select); coding-DNA position 493, C replaced by A.
Protein change: p.Pro165Thr; replaces proline 165 with threonine.
Molecular consequence: missense variant.
Genome position (GRCh38, 1-based): chr1:231,421,396, G>T on the plus strand (C>A on the coding strand, the complement: EGLN1 is on the minus strand). VCF-style: chr1-231421396-G-T. GRCh37 (hg19) VCF-style: chr1-231557142-G-T.
Other names: c.493C>A (NM_022051.2); c.493C>A, p.Pro165Thr (NM_001377260.1, NM_001377261.1); short protein forms P165T.
Identifiers: ClinVar variation 2156206 (VCV002156206.5), dbSNP rs200502960, ClinGen allele CA1453166.